The following is an entry in ClinVar:

NM_000170.3(GLDC):c.2462T>C (p.Met821Thr)

Gene: GLDC (glycine decarboxylase; minus strand). Cytogenetic location: 9p24.1.
Variant type: single nucleotide variant.
Coding change: c.2462T>C on transcript NM_000170.3 (MANE Select); coding-DNA position 2462, T replaced by C.
Protein change: p.Met821Thr; replaces methionine 821 with threonine.
Molecular consequence: missense variant.
Genome position (GRCh38, 1-based): chr9:6,550,910, A>G on the plus strand (T>C on the coding strand, the complement: GLDC is on the minus strand). VCF-style: chr9-6550910-A-G. GRCh37 (hg19) VCF-style: chr9-6550910-A-G.
Other names: short protein forms M821T.
Identifiers: ClinVar variation 2500391 (VCV002500391.1), dbSNP rs747445550, ClinGen allele CA4980199.

ClinVar aggregate classification (germline): Uncertain significance (1 of 4 stars; one submission).

Allele frequency attached by ClinVar (database versions not stated): gnomAD exomes below 0.00001; ExAC 0.00001; gnomAD 0.00001; TOPMed 0.00001.
gnomAD v4.1: 2 of 1,598,676 alleles (0.00013%); highest among the groups gnomAD compares: Non-Finnish European, 0.00017%; no homozygotes.

Submission:

GeneDx
Classification: Uncertain significance. Last evaluated: 2022-10-25. Review status: criteria provided, single submitter. Criteria: GeneDx Variant Classification Process June 2021. Collection method: clinical testing. Allele origin: germline. Affected: yes.
Comment: Not observed at significant frequency in large population cohorts (gnomAD); In silico analysis supports that this missense variant has a deleterious effect on protein structure/function; Has not been previously published as pathogenic or benign to our knowledge